The following is an entry in ClinVar:

ClinVar aggregate classification (germline): Uncertain significance. Review status: criteria provided, multiple submitters, no conflicts (2 of 4 stars). 2 submissions from 2 submitters: Uncertain significance (2). Last evaluated 2025-01-07.

Conditions:
Hereditary cancer-predisposing syndrome. Also called: Hereditary neoplastic syndrome; Neoplastic Syndromes, Hereditary; Tumor predisposition; Hereditary Cancer Syndrome. Identifiers: Orphanet 140162, MedGen C0027672, MeSH D009386, MONDO:0015356.
Ataxia-telangiectasia syndrome (AT). Also called: LOUIS-BAR SYNDROME; Cerebello-oculocutaneous telangiectasia; Immunodeficiency with ataxia telangiectasia; AT, COMPLEMENTATION GROUP C; Ataxia-telangiectasia, complementation group D; ATAXIA-TELANGIECTASIA, COMPLEMENTATION GROUP A. Identifiers: Orphanet 100, MedGen C0004135, MONDO:0008840, OMIM 208900.

Submissions (2):

Ambry Genetics
Classification: Uncertain significance for Hereditary cancer-predisposing syndrome. Last evaluated: 2025-01-07. Review status: criteria provided, single submitter. Criteria: Ambry Variant Classification Scheme 2023. Collection method: clinical testing. Allele origin: germline.
Comment: The p.D1452H variant (also known as c.4354G>C), located in coding exon 28 of the ATM gene, results from a G to C substitution at nucleotide position 4354. The aspartic acid at codon 1452 is replaced by histidine, an amino acid with similar properties. This amino acid position is not well conserved in available vertebrate species. In addition, the in silico prediction for this alteration is inconclusive. Based on the available evidence, the clinical significance of this variant remains unclear.

Labcorp Genetics (formerly Invitae), Labcorp
Classification: Uncertain significance for Ataxia-telangiectasia syndrome. Last evaluated: 2019-02-20. Review status: criteria provided, single submitter. Criteria: Invitae Variant Classification Sherloc (09022015). Collection method: clinical testing. Allele origin: germline.
Comment: This sequence change replaces aspartic acid with histidine at codon 1452 of the ATM protein (p.Asp1452His). The aspartic acid residue is weakly conserved and there is a moderate physicochemical difference between aspartic acid and histidine. This variant is not present in population databases (ExAC no frequency). This variant has not been reported in the literature in individuals with ATM-related conditions. ClinVar contains an entry for this variant (Variation ID: 481279). Algorithms developed to predict the effect of missense changes on protein structure and function are either unavailable or do not agree on the potential impact of this missense change (SIFT: "Deleterious"; PolyPhen-2: "Possibly Damaging"; Align-GVGD: "Class C0"). In summary, the available evidence is currently insufficient to determine the role of this variant in disease. Therefore, it has been classified as a Variant of Uncertain Significance.

NM_000051.4(ATM):c.4354G>C (p.Asp1452His)

Gene: ATM (ATM serine/threonine kinase; plus strand). Cytogenetic location: 11q22.3.
Variant type: single nucleotide variant.
Coding change: c.4354G>C on transcript NM_000051.4 (MANE Select); coding-DNA position 4354, G replaced by C.
Protein change: p.Asp1452His; replaces aspartic acid 1452 with histidine.
Molecular consequence: missense variant.
Genome position (GRCh38, 1-based): chr11:108,289,719, G>C. VCF-style: chr11-108289719-G-C. GRCh37 (hg19) VCF-style: chr11-108160446-G-C.
Other names: c.4354G>C, p.Asp1452His (NM_001351834.2); short protein forms D1452H.
Identifiers: ClinVar variation 481279 (VCV000481279.7), dbSNP rs1012695949, ClinGen allele CA228375321.